The following is an entry in ClinVar:

ClinVar aggregate classification (germline): Uncertain significance (1 of 4 stars; one submission).

Allele frequency attached by ClinVar (database versions not stated): ExAC 0.00001.
gnomAD v4.1: 22 of 1,611,722 alleles (0.0014%); highest among the groups gnomAD compares: Admixed American, 0.018%; no homozygotes.

Submission:

Labcorp Genetics (formerly Invitae), Labcorp
Classification: Uncertain significance. Last evaluated: 2022-07-11. Review status: criteria provided, single submitter. Criteria: Invitae Variant Classification Sherloc (09022015). Collection method: clinical testing. Allele origin: germline.
Comment: This sequence change replaces arginine, which is basic and polar, with glutamine, which is neutral and polar, at codon 3867 of the DNAH9 protein (p.Arg3867Gln). This variant also falls at the last nucleotide of exon 60, which is part of the consensus splice site for this exon. This variant is present in population databases (rs773110271, gnomAD 0.02%). This variant has not been reported in the literature in individuals affected with DNAH9-related conditions. Algorithms developed to predict the effect of missense changes on protein structure and function output the following: SIFT: "Deleterious"; PolyPhen-2: "Benign"; Align-GVGD: "Class C0". The glutamine amino acid residue is found in multiple mammalian species, which suggests that this missense change does not adversely affect protein function. Variants that disrupt the consensus splice site are a relatively common cause of aberrant splicing (PMID: 17576681, 9536098). Algorithms developed to predict the effect of sequence changes on RNA splicing suggest that this variant may disrupt the consensus splice site. In summary, the available evidence is currently insufficient to determine the role of this variant in disease. Therefore, it has been classified as a Variant of Uncertain Significance.

Literature cited by the submitters: PubMed 17576681; PubMed 9536098.

NM_001372.4(DNAH9):c.11600G>A (p.Arg3867Gln)

Gene: DNAH9 (dynein axonemal heavy chain 9; plus strand). Cytogenetic location: 17p12.
Variant type: single nucleotide variant.
Coding change: c.11600G>A on transcript NM_001372.4 (MANE Select); coding-DNA position 11600, G replaced by A.
Protein change: p.Arg3867Gln; replaces arginine 3867 with glutamine.
Molecular consequence: missense variant.
Genome position (GRCh38, 1-based): chr17:11,902,912, G>A. VCF-style: chr17-11902912-G-A. GRCh37 (hg19) VCF-style: chr17-11806229-G-A.
Other names: c.536G>A, p.Arg179Gln (NM_004662.2); short protein forms R179Q, R3867Q.
Identifiers: ClinVar variation 2162800 (VCV002162800.1), dbSNP rs773110271, ClinGen allele CA8397878.